The following is an entry in ClinVar:

NM_017654.4(SAMD9):c.968T>C (p.Ile323Thr)

Gene: SAMD9 (sterile alpha motif domain containing 9; minus strand). Cytogenetic location: 7q21.2.
Variant type: single nucleotide variant.
Coding change: c.968T>C on transcript NM_017654.4 (MANE Select); coding-DNA position 968, T replaced by C.
Protein change: p.Ile323Thr; replaces isoleucine 323 with threonine.
Molecular consequence: missense variant.
Genome position (GRCh38, 1-based): chr7:93,105,130, A>G on the plus strand (T>C on the coding strand, the complement: SAMD9 is on the minus strand). VCF-style: chr7-93105130-A-G. GRCh37 (hg19) VCF-style: chr7-92734443-A-G.
Other names: c.968T>C (NM_017654.3); c.968T>C, p.Ile323Thr (NM_001193307.2); short protein forms I323T.
Identifiers: ClinVar variation 2976259 (VCV002976259.4), dbSNP rs915824696, ClinGen allele CA161994242.

ClinVar aggregate classification (germline): Uncertain significance. Review status: criteria provided, multiple submitters, no conflicts (2 of 4 stars). 2 submissions from 2 submitters: Uncertain significance (2). Last evaluated 2025-05-19.

Conditions:
Inborn genetic diseases. Identifiers: MedGen C0950123, MeSH D030342.

Allele frequency attached by ClinVar (database versions not stated): gnomAD 0.00001; TOPMed 0.00001.
gnomAD v4.1: 2 of 1,613,536 alleles (0.00012%); highest among the groups gnomAD compares: Non-Finnish European, 0.00017%; no homozygotes.

Submissions (2):

Ambry Genetics
Classification: Uncertain significance for Inborn genetic diseases. Last evaluated: 2025-05-19. Review status: criteria provided, single submitter. Criteria: Ambry Variant Classification Scheme 2023. Collection method: clinical testing. Allele origin: germline.
Comment: The p.I323T variant (also known as c.968T>C), located in coding exon 1 of the SAMD9 gene, results from a T to C substitution at nucleotide position 968. The isoleucine at codon 323 is replaced by threonine, an amino acid with similar properties. This amino acid position is conserved. In addition, this alteration is predicted to be tolerated by in silico analysis. Based on the available evidence, the clinical significance of this variant remains unclear.

Labcorp Genetics (formerly Invitae), Labcorp
Classification: Uncertain significance. Last evaluated: 2023-02-19. Review status: criteria provided, single submitter. Criteria: Invitae Variant Classification Sherloc (09022015). Collection method: clinical testing. Allele origin: germline.
Comment: In summary, the available evidence is currently insufficient to determine the role of this variant in disease. Therefore, it has been classified as a Variant of Uncertain Significance. Advanced modeling of protein sequence and biophysical properties (such as structural, functional, and spatial information, amino acid conservation, physicochemical variation, residue mobility, and thermodynamic stability) performed at Invitae indicates that this missense variant is not expected to disrupt SAMD9 protein function. This variant has not been reported in the literature in individuals affected with SAMD9-related conditions. This variant is not present in population databases (gnomAD no frequency). This sequence change replaces isoleucine, which is neutral and non-polar, with threonine, which is neutral and polar, at codon 323 of the SAMD9 protein (p.Ile323Thr).